The following is an entry in ClinVar:

ClinVar aggregate classification (germline): Conflicting classifications of pathogenicity. Review status: criteria provided, conflicting classifications (1 of 4 stars). 6 submissions from 6 submitters: Uncertain significance (4); Likely benign (1). 1 of the submissions does not count toward it. Last evaluated 2025-06-18.

Conditions:
Hereditary cancer-predisposing syndrome. Also called: Hereditary neoplastic syndrome; Neoplastic Syndromes, Hereditary; Tumor predisposition; Hereditary Cancer Syndrome. Identifiers: Orphanet 140162, MedGen C0027672, MeSH D009386, MONDO:0015356.
Hereditary breast ovarian cancer syndrome. Also called: Hereditary breast and/or ovarian cancer syndrome; BRCA1- and BRCA2-Associated Hereditary Breast and Ovarian Cancer; Hereditary breast and ovarian cancer; Breast and ovarian cancer; Hereditary breast and ovarian cancer syndrome; Hereditary breast and ovarian cancer syndrome (HBOC). Identifiers: Orphanet 145, MedGen C0677776, MeSH D061325, MONDO:0003582. Disease mechanism: loss of function.
Breast-ovarian cancer, familial, susceptibility to, 2 (BROVCA2). Also called: BRCA2 Hereditary Breast and Ovarian Cancer. Identifiers: Orphanet 145, MedGen C2675520, MONDO:0012933, OMIM 612555. Disease mechanism: loss of function.

Allele frequency attached by ClinVar (database versions not stated): gnomAD exomes below 0.00001; ExAC 0.00001.
gnomAD v4.1: 1 of 1,614,084 alleles (0.000062%); highest among the groups gnomAD compares: Non-Finnish European, 0.000085%; no homozygotes.

Submissions (6):

Color Diagnostics, LLC DBA Color Health
Classification: Uncertain significance for Hereditary cancer-predisposing syndrome. Last evaluated: 2025-06-18. Review status: criteria provided, single submitter. Criteria: ACMG Guidelines, 2015. Collection method: clinical testing. Allele origin: germline.
Comment: This missense variant replaces isoleucine with valine at codon 702 of the BRCA2 protein. Computational prediction suggests that this variant may not impact protein structure and function. To our knowledge, functional studies have not been reported for this variant. This variant has not been reported in individuals affected with BRCA2-related disorders in the literature. This variant has been identified in 1/250722 chromosomes in the general population by the Genome Aggregation Database (gnomAD). The available evidence is insufficient to determine the role of this variant in disease conclusively. Therefore, this variant is classified as a Variant of Uncertain Significance.

Labcorp Genetics (formerly Invitae), Labcorp
Classification: Uncertain significance for Hereditary breast ovarian cancer syndrome. Last evaluated: 2024-02-26. Review status: criteria provided, single submitter. Criteria: Invitae Variant Classification Sherloc (09022015). Collection method: clinical testing. Allele origin: germline.
Comment: This sequence change replaces isoleucine, which is neutral and non-polar, with valine, which is neutral and non-polar, at codon 702 of the BRCA2 protein (p.Ile702Val). This variant is present in population databases (rs774968533, gnomAD 0.0009%). This variant has not been reported in the literature in individuals affected with BRCA2-related conditions. ClinVar contains an entry for this variant (Variation ID: 462257). Advanced modeling of protein sequence and biophysical properties (such as structural, functional, and spatial information, amino acid conservation, physicochemical variation, residue mobility, and thermodynamic stability) performed at Invitae indicates that this missense variant is not expected to disrupt BRCA2 protein function with a negative predictive value of 95%. In summary, the available evidence is currently insufficient to determine the role of this variant in disease. Therefore, it has been classified as a Variant of Uncertain Significance.

University of Washington Department of Laboratory Medicine, University of Washington
Classification: Likely benign for Hereditary cancer-predisposing syndrome. Last evaluated: 2023-03-23. Review status: criteria provided, single submitter. Criteria: Dines et al. (Genet Med. 2020). Collection method: curation. Allele origin: germline.
Comment: Missense variant in a coldspot region where missense variants are very unlikely to be pathogenic (PMID:31911673).

BRCA2 exon 11 coldspot. Reclassification based on statistical prior probability.

Quest Diagnostics Nichols Institute San Juan Capistrano
Classification: Uncertain significance. Last evaluated: 2022-10-13. Review status: criteria provided, single submitter. Criteria: Quest Diagnostics criteria. Collection method: clinical testing. Allele origin: unknown.
Comment: The variant has not been reported in the published literature. The frequency of this variant in the general population, 0.000004 (1/250722 chromosomes), is uninformative in assessment of its pathogenicity. Analysis of this variant using bioinformatics tools for the prediction of the effect of amino acid changes on protein structure and function yielded predictions that this variant is benign. Based on the available information, we are unable to determine the clinical significance of this variant.

ARUP Laboratories, Molecular Genetics and Genomics, ARUP Laboratories
Classification: Uncertain significance. Last evaluated: 2018-01-25. Review status: criteria provided, single submitter. Criteria: ARUP Molecular Germline Variant Investigation Process. Collection method: clinical testing. Allele origin: germline.
Comment: The BRCA2 c.2104A>G; p.Ile702Val variant (rs774968533) is not reported in the literature or gene specific databases but is reported as uncertain one time in ClinVar (Variation ID: 462257). This variant is seen in the general population at a low overall frequency of 0.0004% (1/245908 alleles) in the Genome Aggregation Database. The isoleucine at codon 702 is weakly conserved and computational algorithms (SIFT, MutationTaster, Align GVGD) predict this variant to be tolerated. However, given the lack of clinical and functional data regarding this variant, its clinical significance cannot be determined with certainty.

Department of Medical and Surgical Sciences, University of Bologna
Classification: Likely benign for Breast-ovarian cancer, familial, susceptibility to, 2. Last evaluated: 2023-09-01. Review status: no assertion criteria provided. Collection method: clinical testing. Allele origin: germline. Affected: yes. Not counted in ClinVar's aggregate classification.
Comment: PM2(Supporting)+BP1(Strong) according to ACMG/AMP classification guidelines specified for BRCA1 & BRCA2 (Classification Criteria V1.0.0 2023-09-08) (PMID: 38160042)

NM_000059.4(BRCA2):c.2104A>G (p.Ile702Val)

Gene: BRCA2 (BRCA2 DNA repair associated; plus strand). Cytogenetic location: 13q13.1.
Variant type: single nucleotide variant.
Coding change: c.2104A>G on transcript NM_000059.4 (MANE Select); coding-DNA position 2104, A replaced by G.
Protein change: p.Ile702Val; replaces isoleucine 702 with valine.
Molecular consequence: missense variant.
Genome position (GRCh38, 1-based): chr13:32,336,459, A>G. VCF-style: chr13-32336459-A-G. GRCh37 (hg19) VCF-style: chr13-32910596-A-G.
Other names: short protein forms I702V.
Identifiers: ClinVar variation 462257 (VCV000462257.21), dbSNP rs774968533, ClinGen allele CA6940580.